The following is an entry in ClinVar:

ClinVar aggregate classification (germline): Uncertain significance (1 of 4 stars; one submission).

Conditions:
Gorlin syndrome. Also called: Basal cell nevus syndrome; Nevoid Basal Cell Carcinoma Syndrome. Identifiers: Orphanet 377, MedGen C0004779, MONDO:0007187.

Allele frequency attached by ClinVar (database versions not stated): gnomAD exomes below 0.00001.
gnomAD v4.1: 2 of 1,613,828 alleles (0.00012%); highest among the groups gnomAD compares: Non-Finnish European, 0.00017%; no homozygotes.

Submission:

Labcorp Genetics (formerly Invitae), Labcorp
Classification: Uncertain significance for Gorlin syndrome. Last evaluated: 2025-11-03. Review status: criteria provided, single submitter. Criteria: Invitae Variant Classification Sherloc (09022015). Collection method: clinical testing. Allele origin: germline.
Comment: This sequence change replaces glycine, which is neutral and non-polar, with aspartic acid, which is acidic and polar, at codon 1199 of the PTCH2 protein (p.Gly1199Asp). This variant is not present in population databases (gnomAD no frequency). This variant has not been reported in the literature in individuals affected with PTCH2-related conditions. ClinVar contains an entry for this variant (Variation ID: 2918002). An algorithm developed to predict the effect of missense changes on protein structure and function (PolyPhen-2) suggests that this variant is likely to be tolerated. In summary, the available evidence is currently insufficient to determine the role of this variant in disease. Therefore, it has been classified as a Variant of Uncertain Significance.

NM_003738.5(PTCH2):c.3596G>A (p.Gly1199Asp)

Gene: PTCH2 (patched 2; minus strand). Cytogenetic location: 1p34.1.
Variant type: single nucleotide variant.
Coding change: c.3596G>A on transcript NM_003738.5 (MANE Select); coding-DNA position 3596, G replaced by A.
Protein change: p.Gly1199Asp; replaces glycine 1199 with aspartic acid.
Molecular consequence: missense variant. On other transcripts: intron variant (1).
Genome position (GRCh38, 1-based): chr1:44,822,431, C>T on the plus strand (G>A on the coding strand, the complement: PTCH2 is on the minus strand). VCF-style: chr1-44822431-C-T. GRCh37 (hg19) VCF-style: chr1-45288103-C-T.
Other names: c.3425+171G>A (NM_001166292.2); short protein forms G1199D.
Identifiers: ClinVar variation 2918002 (VCV002918002.3), dbSNP rs2148870967, ClinGen allele CA340105296.